The following is an entry in ClinVar:

NM_000545.8(HNF1A):c.1637A>G (p.Asp546Gly)

Gene: HNF1A (HNF1 homeobox A; plus strand). Cytogenetic location: 12q24.31.
Variant type: single nucleotide variant.
Coding change: c.1637A>G on transcript NM_000545.8 (MANE Select); coding-DNA position 1637, A replaced by G.
Protein change: p.Asp546Gly; replaces aspartic acid 546 with glycine.
Molecular consequence: missense variant.
Genome position (GRCh38, 1-based): chr12:120,999,496, A>G. VCF-style: chr12-120999496-A-G. GRCh37 (hg19) VCF-style: chr12-121437299-A-G.
Other names: NM_001306179.2:c.1658A>G; c.1658A>G, p.Asp553Gly (NM_001306179.2); c.1445A>G, p.Asp482Gly (NM_001406915.1); short protein forms D482G, D546G, D553G.
Identifiers: ClinVar variation 3383932 (VCV003383932.1).
Genomic context (GRCh38, chr12:120,999,496, plus strand): 5'-CTCACCCCCACATCCCCCGGGCTCAGGAGGCTGCTCTGCTCCCCCAGGTCTTCACCTCAG[A>G]CACTGAGGCCTCCAGTGAGTCCGGGCTTCACACGCCGGCATCTCAGGCCACCACCCTCCA-3'
Protein context (NP_000536.6, residues 536-556): LTPTKQVFTS[Asp546Gly]TEASSESGLH

ClinVar aggregate classification (germline): Uncertain significance (3 of 4 stars; one submission).

Conditions:
Monogenic diabetes. Identifiers: Orphanet 183625, MedGen C3888631, MONDO:0015967.

gnomAD v4.1: 3 of 1,613,676 alleles (0.00019%); highest among the groups gnomAD compares: Non-Finnish European, 0.00025%; no homozygotes.

Submission:

ClinGen Monogenic Diabetes Variant Curation Expert Panel
Classification: Uncertain significance for Monogenic diabetes. Last evaluated: 2024-11-07. Review status: reviewed by expert panel. Criteria: ClinGen Diabetes ACMG Specifications HNF1A V2.1.0. Collection method: curation. Allele origin: germline. Inheritance: Autosomal dominant inheritance.
Comment: The c.1637A>G variant in the HNF1 homeobox A gene, HNF1A, causes an amino acid change of aspartic acid to glycine at codon 546 (p.(Asp546Gly)) of NM_000545.8. This variant is absent from gnomAD v2.1.1 (PM2_Supporting). This variant has a REVEL score of 0.662, which is between the ClinGen MDEP thresholds for BP4 and PP3, predicting neither a damaging nor benign impact on HNF1A function. This variant was identified in 2 unrelated individuals with non-autoimmune and non-absolute/near-absolute insulin-deficient diabetes; however, PS4_Moderate cannot be applied because this number is below the ClinGen MDEP threshold (PMID: 22432796, internal lab contributors). Furthermore, PP4 is unable to be applied since the calculated MODY probability is <50% or is unable to be calculated due to incomplete clinical data (PMID: 22432796, internal lab contributors). In summary, c.1637A>G meets the criteria to be classified as a variant of uncertain significance for monogenic diabetes. ACMG/AMP criteria applied, as specified by the ClinGen MDEP (specification version 2.1.0, approved 8/11/2023): PM2_Supporting.